The following is an entry in ClinVar:

NM_000553.6(WRN):c.3139-1G>C

Gene: WRN (WRN RecQ like helicase; plus strand). Cytogenetic location: 8p12.
Variant type: single nucleotide variant.
Coding change: c.3139-1G>C on transcript NM_000553.6 (MANE Select); the canonical splice acceptor site of the intron before coding-DNA position 3139, G replaced by C.
Molecular consequence: splice acceptor variant.
Genome position (GRCh38, 1-based): chr8:31,141,680, G>C. VCF-style: chr8-31141680-G-C. GRCh37 (hg19) VCF-style: chr8-30999196-G-C.
Other names: IVS25DS, G-C, -1, FS1061TER.
Identifiers: ClinVar variation 5447 (VCV000005447.16), dbSNP rs113993961, ClinGen allele CA284838.

ClinVar aggregate classification (germline): Pathogenic. Review status: criteria provided, multiple submitters, no conflicts (2 of 4 stars). 6 submissions from 6 submitters: Pathogenic (3). 3 of the submissions do not count toward it. Last evaluated 2025-11-01.

Conditions:
Werner syndrome (WRN). Identifiers: Orphanet 902, MedGen C0043119, MONDO:0010196, OMIM 277700.

Allele frequency attached by ClinVar (database versions not stated): gnomAD exomes below 0.00001 and 0.00002; gnomAD 0.00001; ExAC 0.00002; 1000 Genomes Project 30x 0.00016; 1000 Genomes Project 0.00020.
gnomAD v4.1: 35 of 1,614,092 alleles (0.0022%); highest among the groups gnomAD compares: East Asian, 0.078%; no homozygotes.

Submissions (6):

Labcorp Genetics (formerly Invitae), Labcorp
Classification: Pathogenic for Werner syndrome. Last evaluated: 2025-11-01. Review status: criteria provided, single submitter. Criteria: Invitae Variant Classification Sherloc (09022015). Collection method: clinical testing. Allele origin: germline.
Comment: This sequence change affects an acceptor splice site in intron 25 of the WRN gene. RNA analysis indicates that disruption of this splice site induces altered splicing and may result in an absent or altered protein product. This variant is present in population databases (rs113993961, gnomAD 0.01%). Disruption of this splice site has been observed in individual(s) with Werner syndrome (PMID: 8602509, 10347997, 16673358, 20657174, 27559010). It is commonly reported in individuals of Japanese ancestry (PMID: 8602509, 10347997, 16673358, 20657174, 27559010). ClinVar contains an entry for this variant (Variation ID: 5447). Studies have shown that disruption of this splice site alters WRN gene expression (PMID: 10543396). Studies have shown that disruption of this splice site results in skipping of exon 26, and produces a non-functional protein and/or introduces a premature termination codon (PMID: 8602509; internal data). For these reasons, this variant has been classified as Pathogenic.

Baylor Genetics
Classification: Pathogenic for Werner syndrome. Last evaluated: 2024-02-01. Review status: criteria provided, single submitter. Criteria: ACMG Guidelines, 2015. Collection method: clinical testing. Allele origin: unknown.

Illumina Laboratory Services, Illumina
Classification: Pathogenic for Werner syndrome. Last evaluated: 2017-04-27. Review status: criteria provided, single submitter. Criteria: ICSL Variant Classification Criteria 09 May 2019. Collection method: clinical testing. Allele origin: germline.
Comment: The WRN c.3139-1G>C variant occurs in a canonical splice site (acceptor) and is therefore predicted to disrupt or distort the normal gene product. The c.3139-1G>C variant is reported to be the second most common variant seen in Japanese patients with Werner syndrome due to a founder effect in the Japanese population (Matsumoto et al. 1997; Huang et al. 2006). Across a selection of the available literature, the c.3139-1G>C variant has been identified in a homozygous state in 45 patients, in a compound heterozygous state in eight patients, and in a heterozygous state in eight patients (Yu et al. 1996; Matsumoto et al. 1997; Satoh et al. 1999; Huang et al. 2006). The variant was also detected in a heterozygous state in six of 1076 controls and is reported at a frequency of 0.00023 in the East Asian population of the Exome Aggregation Consortium, although this is based on only two alleles in a region of good sequencing coverage so the variant is presumed to be rare in the general population. RT-PCR experiments in patient cells have shown the variant results in the skipping of exon 26 (Yu et al. 1996). Due to the supporting evidence from the literature and the potential impact of splice acceptor variants, the c.3139-1G>C variant is classified as pathogenic for Werner syndrome. This variant was observed by ICSL as part of a predisposition screen in an ostensibly healthy population.

OMIM
Classification: Pathogenic for WERNER SYNDROME. Last evaluated: 2006-06-01. Review status: no assertion criteria provided. Collection method: literature only. Allele origin: germline. Not counted in ClinVar's aggregate classification.

GeneReviews
No classification provided. Condition: Werner syndrome. Review status: no classification provided. Collection method: literature only. Allele origin: germline. Not counted in ClinVar's aggregate classification.
Comment: Founder variant in the Japanese population; accounts for approximately 60% of variants in affected persons in this group. Results in exon 26 skipping.

SNPedia
No classification provided. Review status: no classification provided. Collection method: not provided. Allele origin: germline. Not counted in ClinVar's aggregate classification.

Literature cited by the submitters: PubMed 8602509 (cited by 3 submitters); PubMed 10347997 (cited by Labcorp Genetics (formerly Invitae), Labcorp and Illumina Laboratory Services, Illumina); PubMed 16673358 (cited by 3 submitters); PubMed 20657174 (cited by Labcorp Genetics (formerly Invitae), Labcorp); PubMed 27559010 (cited by Labcorp Genetics (formerly Invitae), Labcorp); PubMed 10543396 (cited by Labcorp Genetics (formerly Invitae), Labcorp); PubMed 9225981 (cited by Illumina Laboratory Services, Illumina and OMIM); PubMed 8037212 (cited by OMIM); PubMed 27667302 (cited by GeneReviews); PubMed 20301687 (cited by GeneReviews).